The following is an entry in ClinVar:

NM_001905.4(CTPS1):c.1692G>A (p.Arg564=)

Gene: CTPS1 (CTP synthase 1; plus strand). Cytogenetic location: 1p34.2.
Variant type: single nucleotide variant.
Coding change: c.1692G>A on transcript NM_001905.4 (MANE Select); coding-DNA position 1692, G replaced by A.
Protein change: p.Arg564=; no amino-acid change (arginine 564 retained).
Molecular consequence: synonymous variant. On other transcripts: non-coding transcript variant (1).
Genome position (GRCh38, 1-based): chr1:41,010,161, G>A. VCF-style: chr1-41010161-G-A. GRCh37 (hg19) VCF-style: chr1-41475833-G-A.
Other names: c.1224G>A, p.Arg408= (NM_001301237.2).
Identifiers: ClinVar variation 655353 (VCV000655353.7), dbSNP rs201074432, ClinGen allele CA795606.

ClinVar aggregate classification (germline): Uncertain significance (1 of 4 stars; one submission).

Conditions:
Combined immunodeficiency due to CTPS1 deficiency. Also called: Immunodeficiency 24; Severe combined immunodeficiency due to CTPS1 deficiency. Identifiers: Orphanet 420573, MedGen C4014617, MONDO:0014391, OMIM 615897.

Allele frequency attached by ClinVar (database versions not stated): gnomAD 0.00002 and 0.00007; TOPMed 0.00002; ExAC 0.00004; gnomAD exomes 0.00009; 1000 Genomes Project 30x 0.00031; 1000 Genomes Project 0.00040.
gnomAD v4.1: 81 of 1,611,434 alleles (0.005%); highest among the groups gnomAD compares: East Asian, 0.17%; no homozygotes.

Submission:

Labcorp Genetics (formerly Invitae), Labcorp
Classification: Uncertain significance for Combined immunodeficiency due to CTPS1 deficiency. Last evaluated: 2025-01-22. Review status: criteria provided, single submitter. Criteria: Invitae Variant Classification Sherloc (09022015). Collection method: clinical testing. Allele origin: germline.
Comment: This sequence change affects codon 564 of the CTPS1 mRNA. It is a 'silent' change, meaning that it does not change the encoded amino acid sequence of the CTPS1 protein. It affects a nucleotide within the consensus splice site. This variant is present in population databases (rs201074432, gnomAD 0.1%). This variant has not been reported in the literature in individuals affected with CTPS1-related conditions. ClinVar contains an entry for this variant (Variation ID: 655353). Algorithms developed to predict the effect of sequence changes on RNA splicing suggest that this variant may disrupt the consensus splice site. In summary, the available evidence is currently insufficient to determine the role of this variant in disease. Therefore, it has been classified as a Variant of Uncertain Significance.